The following is an entry in ClinVar:

NM_000484.4(APP):c.1970G>A (p.Gly657Glu)

Gene: APP (amyloid beta precursor protein; minus strand). Cytogenetic location: 21q21.3.
Variant type: single nucleotide variant.
Coding change: c.1970G>A on transcript NM_000484.4 (MANE Select); coding-DNA position 1970, G replaced by A.
Protein change: p.Gly657Glu; replaces glycine 657 with glutamic acid.
Molecular consequence: missense variant.
Genome position (GRCh38, 1-based): chr21:25,897,667, C>T on the plus strand (G>A on the coding strand, the complement: APP is on the minus strand). VCF-style: chr21-25897667-C-T. GRCh37 (hg19) VCF-style: chr21-27269979-C-T.
Other names: c.1898G>A, p.Gly633Glu (NM_001136016.3); c.1577G>A, p.Gly526Glu (NM_001136129.3); c.1802G>A, p.Gly601Glu (NM_001136130.3, NM_001385253.1); c.1640G>A, p.Gly547Glu (NM_001136131.3); c.1916G>A, p.Gly639Glu (NM_001204301.2); c.1859G>A, p.Gly620Glu (NM_001204302.2); c.1691G>A, p.Gly564Glu (NM_001204303.2); c.1913G>A, p.Gly638Glu (NM_201413.3); and 1 more; short protein forms G526E, G547E, G564E, G582E, G601E, G620E, G633E, G638E.
Identifiers: ClinVar variation 4687340 (VCV004687340.1).
Genomic context (GRCh38, chr21:25,897,667, plus strand): 5'-TGTCGGAATTCTGCATCCATCTTCACTTCAGAGATCTCCTCCGTCTTGATATTTGTCAAC[C>T]CAGAACCTGTATTACATCATAATTAAAGTATGCAGGACAACCAATTAGTTTTACTCATAA-3'
Protein context (NP_000475.1, residues 647-667): DRGLTTRPGS[Gly657Glu]LTNIKTEEIS

ClinVar aggregate classification (germline): Uncertain significance (1 of 4 stars; one submission).

Submission:

Women's Health and Genetics/Laboratory Corporation of America, LabCorp
Classification: Uncertain significance. Last evaluated: 2025-10-13. Review status: criteria provided, single submitter. Criteria: LabCorp Variant Classification Summary - May 2015. Collection method: clinical testing. Allele origin: germline.
Comment: Variant summary: APP c.1970G>A (p.Gly657Glu) results in a non-conservative amino acid change in the encoded protein sequence. Algorithms developed to predict the effect of missense changes on protein structure and function all suggest that this variant is likely to be disruptive. The variant was absent in 251306 control chromosomes (gnomAD). The available data on variant occurrences in the general population are insufficient to allow any conclusion about variant significance. To our knowledge, no occurrence of c.1970G>A in individuals affected with APP-related conditions and no experimental evidence demonstrating its impact on protein function have been reported. No submitters have cited clinical-significance assessments for this variant to ClinVar. Based on the evidence outlined above, the variant was classified as uncertain significance.